The following is an entry in ClinVar:

NM_015978.3(TNNI3K):c.186C>A (p.Tyr62Ter)

Genes: FPGT-TNNI3K (FPGT-TNNI3K readthrough; plus strand), TNNI3K (TNNI3 interacting kinase; plus strand). Cytogenetic location: 1p31.1.
Variant type: single nucleotide variant.
Coding change: c.186C>A on transcript NM_015978.3 (MANE Select); coding-DNA position 186, C replaced by A.
Protein change: p.Tyr62Ter; replaces tyrosine 62 with a stop codon.
Molecular consequence: nonsense.
Genome position (GRCh38, 1-based): chr1:74,249,495, C>A. VCF-style: chr1-74249495-C-A. GRCh37 (hg19) VCF-style: chr1-74715179-C-A.
Other names: c.489C>A, p.Tyr163Ter (NM_001112808.3, NM_001199327.2); short protein forms Y62*, Y163*.
Identifiers: ClinVar variation 1505776 (VCV001505776.6), dbSNP rs2100845317, ClinGen allele CA340787962.

ClinVar aggregate classification (germline): Uncertain significance (1 of 4 stars; one submission).

Submission:

Labcorp Genetics (formerly Invitae), Labcorp
Classification: Uncertain significance. Last evaluated: 2021-11-26. Review status: criteria provided, single submitter. Criteria: Invitae Variant Classification Sherloc (09022015). Collection method: clinical testing. Allele origin: germline.
Comment: In summary, the available evidence is currently insufficient to determine the role of this variant in disease. Therefore, it has been classified as a Variant of Uncertain Significance. This variant has not been reported in the literature in individuals affected with TNNI3K-related conditions. This variant is not present in population databases (gnomAD no frequency). This sequence change creates a premature translational stop signal (p.Tyr62*) in the TNNI3K gene. It is expected to result in an absent or disrupted protein product. However, the current clinical and genetic evidence is not sufficient to establish whether loss-of-function variants in TNNI3K cause disease.